The following is an entry in ClinVar:

ClinVar aggregate classification (germline): Uncertain significance. Review status: criteria provided, multiple submitters, no conflicts (2 of 4 stars). 2 submissions from 2 submitters: Uncertain significance (2). Last evaluated 2025-12-30.

Allele frequency attached by ClinVar (database versions not stated): gnomAD exomes below 0.00001; gnomAD 0.00002; TOPMed 0.00003.
gnomAD v4.1: 6 of 1,612,866 alleles (0.00037%); highest among the groups gnomAD compares: African/African-American, 0.0027%; no homozygotes.

Submissions (2):

Labcorp Genetics (formerly Invitae), Labcorp
Classification: Uncertain significance. Last evaluated: 2025-12-30. Review status: criteria provided, single submitter. Criteria: Invitae Variant Classification Sherloc (09022015). Collection method: clinical testing. Allele origin: germline.
Comment: This sequence change replaces alanine, which is neutral and non-polar, with valine, which is neutral and non-polar, at codon 78 of the CLCN6 protein (p.Ala78Val). This variant is present in population databases (no rsID available, gnomAD 0.01%). This variant has not been reported in the literature in individuals affected with CLCN6-related conditions. ClinVar contains an entry for this variant (Variation ID: 1408731). An algorithm developed to predict the effect of missense changes on protein structure and function outputs the following: PolyPhen-2: "Benign". The valine amino acid residue is found in multiple mammalian species, which suggests that this missense change does not adversely affect protein function. In summary, the available evidence is currently insufficient to determine the role of this variant in disease. Therefore, it has been classified as a Variant of Uncertain Significance.

Ambry Genetics
Classification: Uncertain significance. Last evaluated: 2024-01-24. Review status: criteria provided, single submitter. Criteria: Ambry Variant Classification Scheme 2023. Collection method: clinical testing. Allele origin: germline.

NM_001286.5(CLCN6):c.233C>T (p.Ala78Val)

Gene: CLCN6 (chloride voltage-gated channel 6; plus strand). Cytogenetic location: 1p36.22.
Variant type: single nucleotide variant.
Coding change: c.233C>T on transcript NM_001286.5 (MANE Select); coding-DNA position 233, C replaced by T.
Protein change: p.Ala78Val; replaces alanine 78 with valine.
Molecular consequence: missense variant. On other transcripts: non-coding transcript variant (1).
Genome position (GRCh38, 1-based): chr1:11,816,634, C>T. VCF-style: chr1-11816634-C-T. GRCh37 (hg19) VCF-style: chr1-11876691-C-T.
Other names: c.167C>T, p.Ala56Val (NM_001256959.2); c.233C>T (NM_001286.2); short protein forms A56V, A78V.
Identifiers: ClinVar variation 1408731 (VCV001408731.9), dbSNP rs1010691032, ClinGen allele CA17987903.
Genomic context (GRCh38, chr1:11,816,634, plus strand): 5'-ATAACCCTGTAAACTGAATCATTCTTTTCCTGTGTGAACAGAAAGGTCGAAGATATGAGG[C>T]GGTGAAGTGGATGGTGGTGTTTGCCATTGGAGTCTGCACTGGCCTGGTGAGGAGGCAGGG-3'
Protein context (NP_001277.2, residues 68-88): MDNKKGRRYE[Ala78Val]VKWMVVFAIG